The following is an entry in ClinVar:

ClinVar aggregate classification (germline): Uncertain significance (1 of 4 stars; one submission).

Submission:

GeneDx
Classification: Uncertain significance. Last evaluated: 2019-11-10. Review status: criteria provided, single submitter. Criteria: GeneDx Variant Classification Process June 2021. Collection method: clinical testing. Allele origin: germline. Affected: yes.
Comment: Not observed in large population cohorts (Lek et al., 2016); In silico analysis, which includes protein predictors and evolutionary conservation, supports that this variant does not alter protein structure/function; Has not been previously published as pathogenic or benign to our knowledge

NM_182931.3(KMT2E):c.2834C>T (p.Thr945Ile)

Gene: KMT2E (lysine methyltransferase 2E (inactive); plus strand). Cytogenetic location: 7q22.3.
Variant type: single nucleotide variant.
Coding change: c.2834C>T on transcript NM_182931.3 (MANE Select); coding-DNA position 2834, C replaced by T.
Protein change: p.Thr945Ile; replaces threonine 945 with isoleucine.
Molecular consequence: missense variant.
Genome position (GRCh38, 1-based): chr7:105,106,759, C>T. VCF-style: chr7-105106759-C-T. GRCh37 (hg19) VCF-style: chr7-104747206-C-T.
Other names: c.2834C>T, p.Thr945Ile (NM_018682.4); short protein forms T945I.
Identifiers: ClinVar variation 1309979 (VCV001309979.2), dbSNP rs2129569841, ClinGen allele CA368787703.
Genomic context (GRCh38, chr7:105,106,759, plus strand): 5'-ATGGTTATAAACCCATATATTCACCAGTTACCCCAGTAACTCCTGGTACACCAGGAAATA[C>T]CATGCACTTTGAGGTGAGAAATTTTAATGGAGAAAAAAAAATTCAACACTTGGGGGGATG-3'
Protein context (NP_891847.1, residues 935-955): TPVTPGTPGN[Thr945Ile]MHFENISSPE